The following is an entry in ClinVar:

NM_004369.4(COL6A3):c.5243T>G (p.Phe1748Cys)

Gene: COL6A3 (collagen type VI alpha 3 chain; minus strand). Cytogenetic location: 2q37.3.
Variant type: single nucleotide variant.
Coding change: c.5243T>G on transcript NM_004369.4 (MANE Select); coding-DNA position 5243, T replaced by G.
Protein change: p.Phe1748Cys; replaces phenylalanine 1748 with cysteine.
Molecular consequence: missense variant.
Genome position (GRCh38, 1-based): chr2:237,366,944, A>C on the plus strand (T>G on the coding strand, the complement: COL6A3 is on the minus strand). VCF-style: chr2-237366944-A-C. GRCh37 (hg19) VCF-style: chr2-238275587-A-C.
Other names: c.3422T>G, p.Phe1141Cys (NM_057166.5); c.4625T>G, p.Phe1542Cys (NM_057167.4); short protein forms F1141C, F1542C, F1748C.
Identifiers: ClinVar variation 3362363 (VCV003362363.3).
Genomic context (GRCh38, chr2:237,366,944, plus strand): 5'-TGGGTGAGGGCCAGGCTCACATCCTGTGCATCTTCCACCGACTTTCCTCCCGTGATCACA[A>C]AGGCAATCTGAGGGACCCGCTGGTCCAGGCGGCTGCCTGCCTCAGGCACAAAGTGGTTTA-3'
Protein context (NP_004360.2, residues 1738-1758): RLDQRVPQIA[Phe1748Cys]VITGGKSVED

ClinVar aggregate classification (germline): Uncertain significance (1 of 4 stars; one submission).

Conditions:
Ullrich congenital muscular dystrophy 1A. Also called: Intermediate COL6-RD; Ullrich congenital muscular dystrophy 1. Identifiers: Orphanet 75840, MedGen C0410179, MONDO:0009681, OMIM 254090.

Submission:

Neuberg Centre For Genomic Medicine, NCGM
Classification: Uncertain significance for Ullrich congenital muscular dystrophy 1A. Last evaluated: 2023-05-20. Review status: criteria provided, single submitter. Criteria: ACMG Guidelines, 2015. Collection method: clinical testing. Allele origin: germline. Inheritance: Autosomal recessive inheritance. Affected: yes.
Comment: The missense variant c.5243T>G (p.Phe1748Cys) in the COL6A3 gene has not been reported previously as a pathogenic variant nor as a benign variant, to our knowledge. This variant is absent in the gnomAD Exomes. The amino acid Phenylalanine at position 1748 is changed to a Cysteine changing protein sequence and it might alter its composition and physico-chemical properties. Multiple lines of computational evidence (Polyphen - Damaging, SIFT - Damaging and MutationTaster - Disease causing) predict a damaging effect on protein structure and function for this variant. The amino acid change p.Phe1748Cys in COL6A3 is predicted as conserved by GERP++ and PhyloP across 100 vertebrates. For these reasons, this variant has been classified as Uncertain Significance.